The following is an entry in ClinVar:

NM_001148.6(ANK2):c.3238G>A (p.Glu1080Lys)

Gene: ANK2 (ankyrin 2; plus strand). Cytogenetic location: 4q26.
Variant type: single nucleotide variant.
Coding change: c.3238G>A on transcript NM_001148.6 (MANE Select); coding-DNA position 3238, G replaced by A.
Protein change: p.Glu1080Lys; replaces glutamic acid 1080 with lysine.
Molecular consequence: missense variant.
Genome position (GRCh38, 1-based): chr4:113,333,067, G>A. VCF-style: chr4-113333067-G-A. GRCh37 (hg19) VCF-style: chr4-114254223-G-A.
Other names: c.3211G>A, p.Glu1071Lys (NM_001127493.3); c.3250G>A, p.Glu1084Lys (NM_001354225.2); c.3139G>A, p.Glu1047Lys (NM_001354228.2, NM_001354258.2); c.3217G>A, p.Glu1073Lys (NM_001354230.2); c.3280G>A, p.Glu1094Lys (NM_001354231.2, NM_001354242.2); c.3274G>A, p.Glu1092Lys (NM_001354232.2); c.3235G>A, p.Glu1079Lys (NM_001354235.2, NM_001354246.2, NM_001354265.2); c.3136G>A, p.Glu1046Lys (NM_001354236.2); and 28 more; short protein forms E1013K, E1033K, E1035K, E1046K, E1058K, E1063K, E1095K, E1119K.
Identifiers: ClinVar variation 2014830 (VCV002014830.4), dbSNP rs2153942197, ClinGen allele CA357935863.

ClinVar aggregate classification (germline): Uncertain significance (1 of 4 stars; one submission).

Conditions:
Long QT syndrome (LQTS). Identifiers: MedGen C0023976, MeSH D008133, MONDO:0002442. Disease mechanism: loss of function. Inheritance: Various modes of inheritance.

Submission:

Labcorp Genetics (formerly Invitae), Labcorp
Classification: Uncertain significance for Long QT syndrome. Last evaluated: 2022-07-07. Review status: criteria provided, single submitter. Criteria: Invitae Variant Classification Sherloc (09022015). Collection method: clinical testing. Allele origin: germline.
Comment: This sequence change replaces glutamic acid, which is acidic and polar, with lysine, which is basic and polar, at codon 1080 of the ANK2 protein (p.Glu1080Lys). This variant is not present in population databases (gnomAD no frequency). This variant has not been reported in the literature in individuals affected with ANK2-related conditions. Algorithms developed to predict the effect of missense changes on protein structure and function are either unavailable or do not agree on the potential impact of this missense change (SIFT: "Deleterious"; PolyPhen-2: "Probably Damaging"; Align-GVGD: "Class C0"). In summary, the available evidence is currently insufficient to determine the role of this variant in disease. Therefore, it has been classified as a Variant of Uncertain Significance.